The following is an entry in ClinVar:

ClinVar aggregate classification (germline): Uncertain significance (1 of 4 stars; one submission).

Conditions:
Inborn genetic diseases. Identifiers: MedGen C0950123, MeSH D030342.

Submission:

Ambry Genetics
Classification: Uncertain significance for Inborn genetic diseases. Last evaluated: 2022-01-16. Review status: criteria provided, single submitter. Criteria: Ambry Variant Classification Scheme 2023. Collection method: clinical testing. Allele origin: germline.
Comment: The p.L204H variant (also known as c.611T>A), located in coding exon 4 of the ACD gene, results from a T to A substitution at nucleotide position 611. The leucine at codon 204 is replaced by histidine, an amino acid with similar properties. This amino acid position is conserved. In addition, this alteration is predicted to be deleterious by in silico analysis. Since supporting evidence is limited at this time, the clinical significance of this alteration remains unclear.

NM_001082486.2(ACD):c.353T>A (p.Leu118His)

Gene: ACD (ACD shelterin complex subunit and telomerase recruitment factor; minus strand). Cytogenetic location: 16q22.1.
Variant type: single nucleotide variant.
Coding change: c.353T>A on transcript NM_001082486.2 (MANE Select); coding-DNA position 353, T replaced by A.
Protein change: p.Leu118His; replaces leucine 118 with histidine.
Molecular consequence: missense variant.
Genome position (GRCh38, 1-based): chr16:67,659,597, A>T on the plus strand (T>A on the coding strand, the complement: ACD is on the minus strand). VCF-style: chr16-67659597-A-T. GRCh37 (hg19) VCF-style: chr16-67693500-A-T.
Other names: c.353T>A, p.Leu118His (NM_001410884.1); c.344T>A, p.Leu115His (NM_022914.3); short protein forms L115H, L118H.
Identifiers: ClinVar variation 1751728 (VCV001751728.2), dbSNP rs2543608150, ClinGen allele CA396355503.